The following is an entry in ClinVar:

NM_003356.4(UCP3):c.208C>T (p.Arg70Trp)

Gene: UCP3 (uncoupling protein 3; minus strand). Cytogenetic location: 11q13.4.
Variant type: single nucleotide variant.
Coding change: c.208C>T on transcript NM_003356.4 (MANE Select); coding-DNA position 208, C replaced by T.
Protein change: p.Arg70Trp; replaces arginine 70 with tryptophan.
Molecular consequence: missense variant.
Genome position (GRCh38, 1-based): chr11:74,006,298, G>A on the plus strand (C>T on the coding strand, the complement: UCP3 is on the minus strand). VCF-style: chr11-74006298-G-A. GRCh37 (hg19) VCF-style: chr11-73717343-G-A.
Other names: c.208C>T (NM_003356.3); c.208C>T, p.Arg70Trp (NM_022803.3); short protein forms R70W.
Identifiers: ClinVar variation 7579 (VCV000007579.9), dbSNP rs17848368, ClinGen allele CA118902.

ClinVar aggregate classification (germline): Uncertain significance. Review status: criteria provided, multiple submitters, no conflicts (2 of 4 stars). 4 submissions from 4 submitters: Uncertain significance (3). 1 of the submissions does not count toward it. Last evaluated 2026-06-03.

Conditions:
UCP3-related disorder. Also called: UCP3-related condition.
Inherited obesity. Also called: Monogenic Obesity. Identifiers: Orphanet 77828, MedGen C4054476, MONDO:0019182, OMIM 601665.
Obesity, severe, and type II diabetes. Identifiers: MedGen C4016768.

Allele frequency attached by ClinVar (database versions not stated): gnomAD exomes 0.00005 and 0.00011; ExAC 0.00007; gnomAD 0.00007; TOPMed 0.00019.
gnomAD v4.1: 91 of 1,611,170 alleles (0.0056%); highest among the groups gnomAD compares: East Asian, 0.049%; no homozygotes.

Submissions (4):

PreventionGenetics, part of Exact Sciences
Classification: Uncertain significance for UCP3-related condition. Last evaluated: 2026-06-03. Review status: criteria provided, single submitter. Criteria: ACMG Guidelines, 2015. Collection method: clinical testing. Allele origin: germline.
Comment: The UCP3 c.208C>T variant is predicted to result in the amino acid substitution p.Arg70Trp. Using yeast functional assays, this variant was found to abolish uncoupling activity of UCP3 (Brown et al. 1999. PubMed ID: 10618503). This variant is reported in 0.056% of alleles in individuals of East Asian descent in gnomAD. At this time, the clinical significance of this variant is uncertain due to the absence of conclusive functional and genetic evidence.

Genomic Medicine Center of Excellence, King Faisal Specialist Hospital and Research Centre
Classification: Uncertain significance for Inherited obesity. Last evaluated: 2024-04-04. Review status: criteria provided, single submitter. Criteria: ACMG Guidelines, 2015. Collection method: clinical testing. Allele origin: germline.

Labcorp Genetics (formerly Invitae), Labcorp
Classification: Uncertain significance. Last evaluated: 2023-07-22. Review status: criteria provided, single submitter. Criteria: Invitae Variant Classification Sherloc (09022015). Collection method: clinical testing. Allele origin: germline.
Comment: This sequence change replaces arginine, which is basic and polar, with tryptophan, which is neutral and slightly polar, at codon 70 of the UCP3 protein (p.Arg70Trp). This variant is present in population databases (rs17848368, gnomAD 0.06%). This variant has not been reported in the literature in individuals affected with UCP3-related conditions. ClinVar contains an entry for this variant (Variation ID: 7579). Advanced modeling of protein sequence and biophysical properties (such as structural, functional, and spatial information, amino acid conservation, physicochemical variation, residue mobility, and thermodynamic stability) performed at Invitae indicates that this missense variant is expected to disrupt UCP3 protein function. Experimental studies have shown that this missense change affects UCP3 function (PMID: 10618503). In summary, the available evidence is currently insufficient to determine the role of this variant in disease. Therefore, it has been classified as a Variant of Uncertain Significance.

OMIM
Classification: Pathogenic for OBESITY, SEVERE, AND TYPE II DIABETES. Last evaluated: 2008-09-02. Review status: no assertion criteria provided. Collection method: literature only. Allele origin: germline. Not counted in ClinVar's aggregate classification.

Literature cited by the submitters: PubMed 10618503 (cited by Labcorp Genetics (formerly Invitae), Labcorp); Brown, A. M., Willi, S. M., Argyropoulos, G., Garvey, W. T. A novel missense mutation, R70W, in the human uncoupling protein 3 gene in a family with type 2 diabetes. (Abstract) Hum. Mutat. 13: 508-only, 1999. Note: Full article online. (cited by OMIM).